The following is an entry in ClinVar:

NM_000051.4(ATM):c.497-16T>C

Gene: ATM (ATM serine/threonine kinase; plus strand). Cytogenetic location: 11q22.3.
Variant type: single nucleotide variant.
Coding change: c.497-16T>C on transcript NM_000051.4 (MANE Select); 16 bases into the intron before coding-DNA position 497, T replaced by C.
Molecular consequence: intron variant.
Genome position (GRCh38, 1-based): chr11:108,243,937, T>C. VCF-style: chr11-108243937-T-C. GRCh37 (hg19) VCF-style: chr11-108114664-T-C.
Other names: c.497-16T>C (NM_001351834.2).
Identifiers: ClinVar variation 3254516 (VCV003254516.1), dbSNP rs2135221160.

ClinVar aggregate classification (germline): Likely benign (1 of 4 stars; one submission).

Conditions:
Familial cancer of breast. Also called: BREAST CANCER, FAMILIAL; Hereditary breast cancer; hereditary breast carcinoma. Identifiers: Orphanet 227535, MedGen C0346153, MONDO:0016419, OMIM 114480. Disease mechanism: loss of function.

Allele frequency attached by ClinVar (database versions not stated): gnomAD exomes below 0.00001.
gnomAD v4.1: 2 of 1,525,288 alleles (0.00013%); highest among the groups gnomAD compares: Non-Finnish European, 0.00018%; no homozygotes.

Submission:

Myriad Genetics, Inc.
Classification: Likely benign for Familial cancer of breast. Last evaluated: 2024-04-19. Review status: criteria provided, single submitter. Criteria: Myriad Autosomal Dominant, Autosomal Recessive and X-Linked Classification Criteria (2023). Collection method: clinical testing. Allele origin: unknown.
Comment: This variant is considered likely benign. This variant is intronic and is not expected to impact mRNA splicing.